The following is an entry in ClinVar:

NM_006269.1:c.3352_3353insAlu

Gene: RP1 (RP1 axonemal microtubule associated; plus strand). Cytogenetic location: 8q11.23-12.1.
Variant type: Insertion.
Identifiers: ClinVar variation 870302 (VCV000870302.1).

ClinVar aggregate classification (germline): Pathogenic (1 of 4 stars; one submission).

Submission:

Labcorp Genetics (formerly Invitae), Labcorp
Classification: Pathogenic. Last evaluated: 2019-10-30. Review status: criteria provided, single submitter. Criteria: Invitae Variant Classification Sherloc (09022015). Collection method: clinical testing. Allele origin: germline.
Comment: This sequence change inserts a large fragment of DNA, likely a transposable element, in exon 4 of the RP1 gene (c.3352_3353insAlu), causing a frameshift at codon 1117 (p.Phe1117fs). The exact size and sequence of the insertion cannot be determined by the current assay. However, the insertion is expected to result in an absent or disrupted protein product. This variant is not present in population databases (ExAC no frequency). This variant has not been reported in the literature in individuals with RP1-related conditions. Algorithms developed to predict the effect of sequence changes on RNA splicing suggest that this variant may create or strengthen a splice site, but this prediction has not been confirmed by published transcriptional studies. This variant disrupts the C-terminus of the RP1 protein. Many variants that disrupt this region have been reported in individuals with either autosomal dominant or autosomal recessive retinitis pigmentosa (PMID: 11527933, 19933189, 29425069, 30027431). Therefore, variants that disrupt this region are expected to be disease-causing. For these reasons, this variant has been classified as Pathogenic.

Literature cited by the submitters: PubMed 30027431; PubMed 19933189; PubMed 11527933; PubMed 29425069.